The following is an entry in ClinVar:

NM_014875.3(KIF14):c.4728G>C (p.Lys1576Asn)

Gene: KIF14 (kinesin family member 14; minus strand). Cytogenetic location: 1q32.1.
Variant type: single nucleotide variant.
Coding change: c.4728G>C on transcript NM_014875.3 (MANE Select); coding-DNA position 4728, G replaced by C.
Protein change: p.Lys1576Asn; replaces lysine 1576 with asparagine.
Molecular consequence: missense variant.
Genome position (GRCh38, 1-based): chr1:200,553,607, C>G on the plus strand (G>C on the coding strand, the complement: KIF14 is on the minus strand). VCF-style: chr1-200553607-C-G. GRCh37 (hg19) VCF-style: chr1-200522735-C-G.
Other names: c.3255G>C, p.Lys1085Asn (NM_001305792.1); short protein forms K1085N, K1576N.
Identifiers: ClinVar variation 5005547 (VCV005005547.2).

ClinVar aggregate classification (germline): Uncertain significance (1 of 4 stars; one submission).

Conditions:
Lethal fetal cerebrorenogenitourinary agenesis/hypoplasia syndrome. Also called: Meckel syndrome 12. Identifiers: Orphanet 439897, MedGen C4015701, MONDO:0014552, OMIM 616258.
Microcephaly 20, primary, autosomal recessive. Identifiers: MedGen C4693572, MONDO:0054761, OMIM 617914.

Submission:

Juno Genomics, Hangzhou Juno Genomics, Inc
Classification: Uncertain significance for Lethal fetal cerebrorenogenitourinary agenesis/hypoplasia syndrome; Microcephaly 20, primary, autosomal recessive. Review status: criteria provided, single submitter. Criteria: ACMG Guidelines, 2015. Collection method: clinical testing. Allele origin: germline.
Comment: Absent from controls (or at extremely low frequency if recessive) in Genome Aggregation Database.;Multiple lines of computational evidence support a deleterious effect on the gene or gene product.